The following is an entry in ClinVar:

ClinVar aggregate classification (germline): Uncertain significance (1 of 4 stars; one submission).

Conditions:
Inborn genetic diseases. Identifiers: MedGen C0950123, MeSH D030342.

Submission:

Ambry Genetics
Classification: Uncertain significance for Inborn genetic diseases. Last evaluated: 2026-07-07. Review status: criteria provided, single submitter. Criteria: Ambry Variant Classification Scheme 2023. Collection method: clinical testing. Allele origin: germline.
Comment: The p.D336N variant (also known as c.1006G>A), located in coding exon 1 of the CEBPA gene, results from a G to A substitution at nucleotide position 1006. The aspartic acid at codon 336 is replaced by asparagine, an amino acid with highly similar properties. This amino acid position is conserved. In addition, this alteration is predicted to be tolerated by in silico analysis. Based on the available evidence, the clinical significance of this variant remains unclear.

NM_004364.5(CEBPA):c.1006G>A (p.Asp336Asn)

Gene: CEBPA (CCAAT enhancer binding protein alpha; minus strand). Cytogenetic location: 19q13.11.
Variant type: single nucleotide variant.
Coding change: c.1006G>A on transcript NM_004364.5 (MANE Select); coding-DNA position 1006, G replaced by A.
Protein change: p.Asp336Asn; replaces aspartic acid 336 with asparagine.
Molecular consequence: missense variant.
Genome position (GRCh38, 1-based): chr19:33,301,409, C>T on the plus strand (G>A on the coding strand, the complement: CEBPA is on the minus strand). VCF-style: chr19-33301409-C-T. GRCh37 (hg19) VCF-style: chr19-33792315-C-T.
Other names: c.649G>A, p.Asp217Asn (NM_001285829.2); c.1111G>A, p.Asp371Asn (NM_001287424.2); c.964G>A, p.Asp322Asn (NM_001287435.2); short protein forms D322N, D217N, D336N, D371N.
Identifiers: ClinVar variation 5034295 (VCV005034295.1).